The following is an entry in ClinVar:

ClinVar aggregate classification (germline): Uncertain significance (1 of 4 stars; one submission).

Conditions:
Spondyloenchondrodysplasia with immune dysregulation (SPENCDI). Also called: ROIFMAN IMMUNOSKELETAL SYNDROME; SPONDYLOENCHONDRODYSPLASIA WITH OR WITHOUT IMMUNE DYSREGULATION; COMBINED IMMUNODEFICIENCY WITH AUTOIMMUNITY AND SPONDYLOMETAPHYSEAL DYSPLASIA. Identifiers: Orphanet 1855, MedGen C1842763, MONDO:0011939, OMIM 607944.

Allele frequency attached by ClinVar (database versions not stated): gnomAD exomes below 0.00001; gnomAD 0.00001; TOPMed 0.00001.
gnomAD v4.1: 3 of 1,611,306 alleles (0.00019%); highest among the groups gnomAD compares: African/African-American, 0.0013%; no homozygotes.

Submission:

Labcorp Genetics (formerly Invitae), Labcorp
Classification: Uncertain significance for Spondyloenchondrodysplasia with immune dysregulation. Last evaluated: 2019-08-16. Review status: criteria provided, single submitter. Criteria: Invitae Variant Classification Sherloc (09022015). Collection method: clinical testing. Allele origin: germline.
Comment: This sequence change replaces proline with threonine at codon 216 of the ACP5 protein (p.Pro216Thr). The proline residue is highly conserved and there is a small physicochemical difference between proline and threonine. This variant is not present in population databases (ExAC no frequency). This variant has not been reported in the literature in individuals with ACP5-related conditions. Algorithms developed to predict the effect of missense changes on protein structure and function (SIFT, PolyPhen-2, Align-GVGD) all suggest that this variant is likely to be disruptive, but these predictions have not been confirmed by published functional studies and their clinical significance is uncertain. In summary, the available evidence is currently insufficient to determine the role of this variant in disease. Therefore, it has been classified as a Variant of Uncertain Significance.

NM_001611.5(ACP5):c.646C>A (p.Pro216Thr)

Gene: ACP5 (acid phosphatase 5, tartrate resistant; minus strand). Cytogenetic location: 19p13.2.
Variant type: single nucleotide variant.
Coding change: c.646C>A on transcript NM_001611.5 (MANE Select); coding-DNA position 646, C replaced by A.
Protein change: p.Pro216Thr; replaces proline 216 with threonine.
Molecular consequence: missense variant.
Genome position (GRCh38, 1-based): chr19:11,576,332, G>T on the plus strand (C>A on the coding strand, the complement: ACP5 is on the minus strand). VCF-style: chr19-11576332-G-T. GRCh37 (hg19) VCF-style: chr19-11687147-G-T.
Other names: c.646C>A, p.Pro216Thr (NM_001111034.3, NM_001111035.3, NM_001111036.3 and 1 more transcripts); short protein forms P216T.
Identifiers: ClinVar variation 951531 (VCV000951531.1), dbSNP rs1372135711, ClinGen allele CA404146362.
Genomic context (GRCh38, chr19:11,576,332, plus strand): 5'-AGGCAGTGACCCCGTATGTGGCCAGCAGTGGCCGTAGCTGCTTGACCAGGCAGTGGGTAG[G>T]CCCGTGCTCGGCTATGGACCACACGGGGTAGTGGCCAGCCACCAGCACGTAGTCCTCCCT-3'
Protein context (NP_001602.1, residues 206-226): YPVWSIAEHG[Pro216Thr]THCLVKQLRP